The following is an entry in ClinVar:

NM_004168.4(SDHA):c.1055G>T (p.Arg352Leu)

Gene: SDHA (succinate dehydrogenase complex flavoprotein subunit A; plus strand). Cytogenetic location: 5p15.33.
Variant type: single nucleotide variant.
Coding change: c.1055G>T on transcript NM_004168.4 (MANE Select); coding-DNA position 1055, G replaced by T.
Protein change: p.Arg352Leu; replaces arginine 352 with leucine.
Molecular consequence: missense variant.
Genome position (GRCh38, 1-based): chr5:233,636, G>T. VCF-style: chr5-233636-G-T. GRCh37 (hg19) VCF-style: chr5-233751-G-T.
Other names: c.911G>T, p.Arg304Leu (NM_001294332.2); c.1055G>T, p.Arg352Leu (NM_001330758.2); c.1055G>T (NM_004168.2, NM_004168.3); short protein forms R304L, R352L.
Identifiers: ClinVar variation 1399169 (VCV001399169.8), dbSNP rs199844384, ClinGen allele CA359013003.
Genomic context (GRCh38, chr5:233,636, plus strand): 5'-CTGTCGCGAAGGACCTGGCGTCTAGAGATGTGGTGTCTCGGTCCATGACTCTGGAGATCC[G>T]AGAAGGAAGGTGCGTGTGATTTACCACCAGCACTGTCTGAGCGGGCACACGGGCCGGGGT-3'
Protein context (NP_004159.2, residues 342-362): VVSRSMTLEI[Arg352Leu]EGRGCGPEKD

ClinVar aggregate classification (germline): Uncertain significance. Review status: criteria provided, multiple submitters, no conflicts (2 of 4 stars). 3 submissions from 3 submitters: Uncertain significance (3). Last evaluated 2025-02-16.

Conditions:
Hereditary cancer-predisposing syndrome. Also called: Tumor predisposition; Hereditary Cancer Syndrome; Hereditary neoplastic syndrome; Neoplastic Syndromes, Hereditary. Identifiers: Orphanet 140162, MedGen C0027672, MeSH D009386, MONDO:0015356.
SDHA-related disorder. Also called: SDHA-related condition; SDHA-related disorders.
Mitochondrial complex II deficiency, nuclear type 1. Also called: SUCCINATE CoQ REDUCTASE DEFICIENCY. Identifiers: Orphanet 3208, MedGen C5700310, MONDO:0100294, OMIM 252011.
Pheochromocytoma/paraganglioma syndrome 5. Also called: Paragangliomas 5; SDHA-Related Hereditary Paraganglioma-Pheochromocytoma Syndrome. Identifiers: Orphanet 29072, MedGen C3279992, MONDO:0013602, OMIM 614165.

Submissions (3):

Labcorp Genetics (formerly Invitae), Labcorp
Classification: Uncertain significance for Pheochromocytoma/paraganglioma syndrome 5; Mitochondrial complex II deficiency, nuclear type 1. Last evaluated: 2025-02-16. Review status: criteria provided, single submitter. Criteria: Invitae Variant Classification Sherloc (09022015). Collection method: clinical testing. Allele origin: germline.
Comment: This sequence change replaces arginine, which is basic and polar, with leucine, which is neutral and non-polar, at codon 352 of the SDHA protein (p.Arg352Leu). This variant is not present in population databases (gnomAD no frequency). This variant has not been reported in the literature in individuals affected with SDHA-related conditions. ClinVar contains an entry for this variant (Variation ID: 1399169). Invitae Evidence Modeling of protein sequence and biophysical properties (such as structural, functional, and spatial information, amino acid conservation, physicochemical variation, residue mobility, and thermodynamic stability) indicates that this missense variant is not expected to disrupt SDHA protein function with a negative predictive value of 95%. In summary, the available evidence is currently insufficient to determine the role of this variant in disease. Therefore, it has been classified as a Variant of Uncertain Significance.

Ambry Genetics
Classification: Uncertain significance for Hereditary cancer-predisposing syndrome. Last evaluated: 2024-05-10. Review status: criteria provided, single submitter. Criteria: Ambry Variant Classification Scheme 2023. Collection method: clinical testing. Allele origin: germline.
Comment: The p.R352L variant (also known as c.1055G>T), located in coding exon 8 of the SDHA gene, results from a G to T substitution at nucleotide position 1055. The arginine at codon 352 is replaced by leucine, an amino acid with dissimilar properties. This amino acid position is highly conserved in available vertebrate species. In addition, this alteration is predicted to be deleterious by in silico analysis. Based on the available evidence, the clinical significance of this variant remains unclear.

PreventionGenetics, part of Exact Sciences
Classification: Uncertain significance for SDHA-related condition. Last evaluated: 2023-07-03. Review status: criteria provided, single submitter. Criteria: ACMG Guidelines, 2015. Collection method: clinical testing. Allele origin: germline.
Comment: The SDHA c.1055G>T variant is predicted to result in the amino acid substitution p.Arg352Leu. To our knowledge, this variant has not been reported in the literature or in a large population database, indicating this variant is rare, and is interpreted as a variant of uncertain significance in ClinVar. At this time, the clinical significance of this variant is uncertain due to the absence of conclusive functional and genetic evidence.